The following is an entry in ClinVar:

ClinVar aggregate classification (germline): Uncertain significance (1 of 4 stars; one submission).

gnomAD v4.1: 3 of 1,613,904 alleles (0.00019%); highest among the groups gnomAD compares: Admixed American, 0.0033%; no homozygotes.

Submission:

GeneDx
Classification: Uncertain significance. Last evaluated: 2026-03-11. Review status: criteria provided, single submitter. Criteria: GeneDx Variant Classification Process June 2021. Collection method: clinical testing. Allele origin: germline.
Comment: Not observed at significant frequency in large population cohorts (gnomAD); In silico analysis suggests that this missense variant does not alter protein structure/function; Has not been previously published as pathogenic or benign to our knowledge

NM_032119.4(ADGRV1):c.15605C>G (p.Ser5202Cys)

Gene: ADGRV1 (adhesion G protein-coupled receptor V1; plus strand). Cytogenetic location: 5q14.3.
Variant type: single nucleotide variant.
Coding change: c.15605C>G on transcript NM_032119.4 (MANE Select); coding-DNA position 15605, C replaced by G.
Protein change: p.Ser5202Cys; replaces serine 5202 with cysteine.
Molecular consequence: missense variant. On other transcripts: non-coding transcript variant (1).
Genome position (GRCh38, 1-based): chr5:90,810,865, C>G. VCF-style: chr5-90810865-C-G. GRCh37 (hg19) VCF-style: chr5-90106682-C-G.
Other names: short protein forms S5202C.
Identifiers: ClinVar variation 5008274 (VCV005008274.1).